The following is an entry in ClinVar:

ClinVar aggregate classification (germline): Uncertain significance. Review status: criteria provided, multiple submitters, no conflicts (2 of 4 stars). 2 submissions from 2 submitters: Uncertain significance (2). Last evaluated 2024-12-09.

Conditions:
Fanconi anemia (FA). Also called: Fanconi's anemia. Identifiers: Orphanet 84, MedGen C0015625, MeSH D005199, MONDO:0019391.
Inborn genetic diseases. Identifiers: MedGen C0950123, MeSH D030342.

Allele frequency attached by ClinVar (database versions not stated): ExAC 0.00001; gnomAD 0.00003; TOPMed 0.00003; ESP Exome Variant Server 0.00008.
gnomAD v4.1: 4 of 1,614,026 alleles (0.00025%); highest among the groups gnomAD compares: African/African-American, 0.0053%; no homozygotes.

Submissions (2):

Ambry Genetics
Classification: Uncertain significance for Inborn genetic diseases. Last evaluated: 2024-12-09. Review status: criteria provided, single submitter. Criteria: Ambry Variant Classification Scheme 2023. Collection method: clinical testing. Allele origin: germline.
Comment: The p.P488S variant (also known as c.1462C>T), located in coding exon 11 of the FANCG gene, results from a C to T substitution at nucleotide position 1462. The proline at codon 488 is replaced by serine, an amino acid with similar properties. This amino acid position is conserved. In addition, this alteration is predicted to be tolerated by in silico analysis. Based on the available evidence, the clinical significance of this variant remains unclear.

Labcorp Genetics (formerly Invitae), Labcorp
Classification: Uncertain significance for Fanconi anemia. Last evaluated: 2023-03-09. Review status: criteria provided, single submitter. Criteria: Invitae Variant Classification Sherloc (09022015). Collection method: clinical testing. Allele origin: germline.
Comment: In summary, the available evidence is currently insufficient to determine the role of this variant in disease. Therefore, it has been classified as a Variant of Uncertain Significance. Advanced modeling of protein sequence and biophysical properties (such as structural, functional, and spatial information, amino acid conservation, physicochemical variation, residue mobility, and thermodynamic stability) performed at Invitae indicates that this missense variant is not expected to disrupt FANCG protein function. This sequence change replaces proline, which is neutral and non-polar, with serine, which is neutral and polar, at codon 488 of the FANCG protein (p.Pro488Ser). This variant is present in population databases (rs375682263, gnomAD 0.01%). This variant has not been reported in the literature in individuals affected with FANCG-related conditions.

NM_004629.2(FANCG):c.1462C>T (p.Pro488Ser)

Gene: FANCG (FA complementation group G; minus strand). Cytogenetic location: 9p13.3.
Variant type: single nucleotide variant.
Coding change: c.1462C>T on transcript NM_004629.2 (MANE Select); coding-DNA position 1462, C replaced by T.
Protein change: p.Pro488Ser; replaces proline 488 with serine.
Molecular consequence: missense variant.
Genome position (GRCh38, 1-based): chr9:35,075,297, G>A on the plus strand (C>T on the coding strand, the complement: FANCG is on the minus strand). VCF-style: chr9-35075297-G-A. GRCh37 (hg19) VCF-style: chr9-35075294-G-A.
Other names: short protein forms P488S.
Identifiers: ClinVar variation 2963256 (VCV002963256.4), dbSNP rs375682263, ClinGen allele CA5039733.
Genomic context (GRCh38, chr9:35,075,297, plus strand): 5'-CCACTTCCAGGAGGTAAGAGGAAAACTGAAAGTTTAGATCACCTTGTTCTTTTTCCTCAG[G>A]TGTGGCCCGGAAGAGCAGCTCGAGGCACCTGAAGTAGGACACAGAACAGGGGTGAAGAGG-3'
Protein context (NP_004620.1, residues 478-498): RCLELLFRAT[Pro488Ser]EEKEQGAAFN